The following is an entry in ClinVar:

ClinVar aggregate classification (germline): Pathogenic (1 of 4 stars; one submission).

Conditions:
Dyskeratosis congenita. Identifiers: Orphanet 1775, MedGen C0265965, MONDO:0015780.

Submission:

Labcorp Genetics (formerly Invitae), Labcorp
Classification: Pathogenic for Dyskeratosis congenita. Last evaluated: 2022-08-05. Review status: criteria provided, single submitter. Criteria: Invitae Variant Classification Sherloc (09022015). Collection method: clinical testing. Allele origin: germline.
Comment: For these reasons, this variant has been classified as Pathogenic. This sequence change creates a premature translational stop signal (p.Gln20*) in the CTC1 gene. It is expected to result in an absent or disrupted protein product. Loss-of-function variants in CTC1 are known to be pathogenic (PMID: 22267198, 22387016). This variant is not present in population databases (gnomAD no frequency). This variant has not been reported in the literature in individuals affected with CTC1-related conditions. Algorithms developed to predict the effect of sequence changes on RNA splicing suggest that this variant may disrupt the consensus splice site.

Literature cited by the submitters: PubMed 22267198; PubMed 22387016.

NM_025099.6(CTC1):c.58C>T (p.Gln20Ter)

Gene: CTC1 (CST telomere replication complex component 1; minus strand). Cytogenetic location: 17p13.1.
Variant type: single nucleotide variant.
Coding change: c.58C>T on transcript NM_025099.6 (MANE Select); coding-DNA position 58, C replaced by T.
Protein change: p.Gln20Ter; replaces glutamine 20 with a stop codon.
Molecular consequence: nonsense. On other transcripts: non-coding transcript variant (1).
Genome position (GRCh38, 1-based): chr17:8,243,124, G>A on the plus strand (C>T on the coding strand, the complement: CTC1 is on the minus strand). VCF-style: chr17-8243124-G-A. GRCh37 (hg19) VCF-style: chr17-8146442-G-A.
Other names: c.58C>T, p.Gln20Ter (NM_001411067.1); short protein forms Q20*.
Identifiers: ClinVar variation 2021605 (VCV002021605.4), dbSNP rs2508007696, ClinGen allele CA397996780.
Genomic context (GRCh38, chr17:8,243,124, plus strand): 5'-GAGTCAACTGGACATTAGGCTCCTTGACAGCTGGACACAGGGTCTTTTGGATGAAGACCT[G>A]AGCATCCTCAAGCCAGGCTTGTTCCTGAGGAAAGTGAATTTAGTTAAAACATCTTGACTA-3'